The following is an entry in ClinVar:

ClinVar aggregate classification (germline): Uncertain significance (1 of 4 stars; one submission).

Conditions:
BAP1-related tumor predisposition syndrome (TPDS1). Also called: COMMON Syndrome; TUMOR PREDISPOSITION SYNDROME 1; Tumor susceptibility linked to germline BAP1 mutations; BAP1 tumor predisposition syndrome. Identifiers: Orphanet 289539, MedGen C3280492, MONDO:0013692, OMIM 614327.

gnomAD v4.1: 1 of 1,614,154 alleles (0.000062%); highest among the groups gnomAD compares: African/African-American, 0.0013%; no homozygotes.

Submission:

Labcorp Genetics (formerly Invitae), Labcorp
Classification: Uncertain significance for BAP1-related tumor predisposition syndrome. Last evaluated: 2025-10-30. Review status: criteria provided, single submitter. Criteria: Invitae Variant Classification Sherloc (09022015). Collection method: clinical testing. Allele origin: germline.
Comment: This sequence change replaces glutamine, which is neutral and polar, with glutamic acid, which is acidic and polar, at codon 684 of the BAP1 protein (p.Gln684Glu). This variant is not present in population databases (gnomAD no frequency). This variant has not been reported in the literature in individuals affected with BAP1-related conditions. Invitae Evidence Modeling of protein sequence and biophysical properties (such as structural, functional, and spatial information, amino acid conservation, physicochemical variation, residue mobility, and thermodynamic stability) indicates that this missense variant is not expected to disrupt BAP1 protein function with a negative predictive value of 80%. In summary, the available evidence is currently insufficient to determine the role of this variant in disease. Therefore, it has been classified as a Variant of Uncertain Significance.

NM_004656.4(BAP1):c.2050C>G (p.Gln684Glu)

Gene: BAP1 (BRCA1 associated deubiquitinase 1; minus strand). Cytogenetic location: 3p21.1.
Variant type: single nucleotide variant.
Coding change: c.2050C>G on transcript NM_004656.4 (MANE Select); coding-DNA position 2050, C replaced by G.
Protein change: p.Gln684Glu; replaces glutamine 684 with glutamic acid.
Molecular consequence: missense variant.
Genome position (GRCh38, 1-based): chr3:52,402,608, G>C on the plus strand (C>G on the coding strand, the complement: BAP1 is on the minus strand). VCF-style: chr3-52402608-G-C. GRCh37 (hg19) VCF-style: chr3-52436624-G-C.
Other names: c.1996C>G, p.Gln666Glu (NM_001410772.1); short protein forms Q666E, Q684E.
Identifiers: ClinVar variation 4743301 (VCV004743301.1).
Genomic context (GRCh38, chr3:52,402,608, plus strand): 5'-AGGACACGGCCCTCAGCAGGGCATTCCAGTTAAGACAGCAGCGCATCCCCTCACCTTCCT[G>C]AGCCAGCATGGAGATAAAGGTGCAGATGAACTCATCGTAGTTGTGGGTCCTTCTCTGGTC-3'
Protein context (NP_004647.1, residues 674-694): FICTFISMLA[Gln684Glu]EGMLANLVEQ